The following is an entry in ClinVar:

ClinVar aggregate classification (germline): Uncertain significance. Review status: criteria provided, multiple submitters, no conflicts (2 of 4 stars). 2 submissions from 2 submitters: Uncertain significance (2). Last evaluated 2023-11-29.

Conditions:
Cardiovascular phenotype. Identifiers: MedGen CN230736.
Long QT syndrome (LQTS). Identifiers: MedGen C0023976, MeSH D008133, MONDO:0002442. Disease mechanism: loss of function. Inheritance: Various modes of inheritance.

Allele frequency attached by ClinVar (database versions not stated): gnomAD exomes below 0.00001; TOPMed below 0.00001.

Submissions (2):

Ambry Genetics
Classification: Uncertain significance for Cardiovascular phenotype. Last evaluated: 2023-11-29. Review status: criteria provided, single submitter. Criteria: Ambry Variant Classification Scheme 2023. Collection method: clinical testing. Allele origin: germline.
Comment: The p.M1124K variant (also known as c.3371T>A), located in coding exon 29 of the ANK2 gene, results from a T to A substitution at nucleotide position 3371. The methionine at codon 1124 is replaced by lysine, an amino acid with similar properties. This amino acid position is conserved. In addition, the in silico prediction for this alteration is inconclusive. Since supporting evidence is limited at this time, the clinical significance of this alteration remains unclear.

Labcorp Genetics (formerly Invitae), Labcorp
Classification: Uncertain significance for Long QT syndrome. Last evaluated: 2019-09-19. Review status: criteria provided, single submitter. Criteria: Invitae Variant Classification Sherloc (09022015). Collection method: clinical testing. Allele origin: germline.
Comment: In summary, the available evidence is currently insufficient to determine the role of this variant in disease. Therefore, it has been classified as a Variant of Uncertain Significance. Algorithms developed to predict the effect of missense changes on protein structure and function are either unavailable or do not agree on the potential impact of this missense change (SIFT: "Deleterious"; PolyPhen-2: "Possibly Damaging"; Align-GVGD: "Class C0"). This variant has not been reported in the literature in individuals with ANK2-related conditions. This variant is not present in population databases (ExAC no frequency). This sequence change replaces methionine with lysine at codon 1124 of the ANK2 protein (p.Met1124Lys). The methionine residue is highly conserved and there is a moderate physicochemical difference between methionine and lysine.

NM_001148.6(ANK2):c.3371T>A (p.Met1124Lys)

Gene: ANK2 (ankyrin 2; plus strand). Cytogenetic location: 4q26.
Variant type: single nucleotide variant.
Coding change: c.3371T>A on transcript NM_001148.6 (MANE Select); coding-DNA position 3371, T replaced by A.
Protein change: p.Met1124Lys; replaces methionine 1124 with lysine.
Molecular consequence: missense variant.
Genome position (GRCh38, 1-based): chr4:113,333,200, T>A. VCF-style: chr4-113333200-T-A. GRCh37 (hg19) VCF-style: chr4-114254356-T-A.
Other names: c.3344T>A, p.Met1115Lys (NM_001127493.3); c.3383T>A, p.Met1128Lys (NM_001354225.2); c.3272T>A, p.Met1091Lys (NM_001354228.2, NM_001354258.2); c.3350T>A, p.Met1117Lys (NM_001354230.2); c.3413T>A, p.Met1138Lys (NM_001354231.2, NM_001354242.2); c.3407T>A, p.Met1136Lys (NM_001354232.2); c.3368T>A, p.Met1123Lys (NM_001354235.2, NM_001354246.2, NM_001354265.2); c.3269T>A, p.Met1090Lys (NM_001354236.2); and 28 more; short protein forms M1024K, M1057K, M1062K, M1107K, M1123K, M1124K, M1136K, M1150K.
Identifiers: ClinVar variation 940458 (VCV000940458.7), dbSNP rs2092851085, ClinGen allele CA357936467.